The following is an entry in ClinVar:

NM_003737.4(DCHS1):c.3775C>T (p.Pro1259Ser)

Gene: DCHS1 (dachsous cadherin-related 1; minus strand). Cytogenetic location: 11p15.4.
Variant type: single nucleotide variant.
Coding change: c.3775C>T on transcript NM_003737.4 (MANE Select); coding-DNA position 3775, C replaced by T.
Protein change: p.Pro1259Ser; replaces proline 1259 with serine.
Molecular consequence: missense variant.
Genome position (GRCh38, 1-based): chr11:6,631,208, G>A on the plus strand (C>T on the coding strand, the complement: DCHS1 is on the minus strand). VCF-style: chr11-6631208-G-A. GRCh37 (hg19) VCF-style: chr11-6652439-G-A.
Other names: short protein forms P1259S.
Identifiers: ClinVar variation 2782265 (VCV002782265.3), dbSNP rs768102255, ClinGen allele CA5860424.

ClinVar aggregate classification (germline): Uncertain significance (1 of 4 stars; one submission).

Allele frequency attached by ClinVar (database versions not stated): ExAC 0.00001.

Submission:

Labcorp Genetics (formerly Invitae), Labcorp
Classification: Uncertain significance. Last evaluated: 2023-06-11. Review status: criteria provided, single submitter. Criteria: Invitae Variant Classification Sherloc (09022015). Collection method: clinical testing. Allele origin: germline.
Comment: This sequence change replaces proline, which is neutral and non-polar, with serine, which is neutral and polar, at codon 1259 of the DCHS1 protein (p.Pro1259Ser). This variant is not present in population databases (gnomAD no frequency). In summary, the available evidence is currently insufficient to determine the role of this variant in disease. Therefore, it has been classified as a Variant of Uncertain Significance. An algorithm developed to predict the effect of missense changes on protein structure and function (PolyPhen-2) suggests that this variant is likely to be tolerated. This variant has not been reported in the literature in individuals affected with DCHS1-related conditions.